The following is an entry in ClinVar:

ClinVar aggregate classification (germline): Uncertain significance (0 of 4 stars; one submission).

Conditions:
CHD4-related disorder. Also called: CHD4-related condition.

Submission:

PreventionGenetics, part of Exact Sciences
Classification: Uncertain significance for CHD4-related condition. Last evaluated: 2024-06-29. Review status: no assertion criteria provided. Collection method: clinical testing. Allele origin: germline.
Comment: The CHD4 c.4183G>C variant is predicted to result in the amino acid substitution p.Asp1395His. To our knowledge, this variant has not been reported in the literature or in a large population database, indicating this variant is rare. At this time, the clinical significance of this variant is uncertain due to the absence of conclusive functional and genetic evidence.

NM_001273.5(CHD4):c.4183G>C (p.Asp1395His)

Genes: CHD4 (chromodomain helicase DNA binding protein 4; minus strand), CHD4-AS1 (CHD4 antisense RNA 1; plus strand). Cytogenetic location: 12p13.31.
Variant type: single nucleotide variant.
Coding change: c.4183G>C on transcript NM_001273.5 (MANE Select); coding-DNA position 4183, G replaced by C.
Protein change: p.Asp1395His; replaces aspartic acid 1395 with histidine.
Molecular consequence: missense variant.
Genome position (GRCh38, 1-based): chr12:6,582,901, C>G on the plus strand (G>C on the coding strand, the complement: CHD4 is on the minus strand). VCF-style: chr12-6582901-C-G. GRCh37 (hg19) VCF-style: chr12-6692067-C-G.
Other names: c.4162G>C, p.Asp1388His (NM_001297553.2); c.4144G>C, p.Asp1382His (NM_001363606.2); short protein forms D1382H, D1388H, D1395H.
Identifiers: ClinVar variation 3346958 (VCV003346958.1).
Genomic context (GRCh38, chr12:6,582,901, plus strand): 5'-CACTTACTTCAATATTCCCACCAACACGGGCCAACAGAGGAGGCAATGGCTTATCTTTAT[C>G]ATTCCGCAGGCCCTTACGACTGGGCCTACGGGGAGCTGCAAGAAGAAAAAGATGAATGAG-3'
Protein context (NP_001264.2, residues 1385-1405): RRPSRKGLRN[Asp1395His]KDKPLPPLLA